The following is an entry in ClinVar:

ClinVar aggregate classification (germline): Likely benign (1 of 4 stars; one submission).

Allele frequency attached by ClinVar (database versions not stated): gnomAD exomes below 0.00001.
gnomAD v4.1: 1 of 1,614,160 alleles (0.000062%); highest among the groups gnomAD compares: Non-Finnish European, 0.000085%; no homozygotes.

Submission:

CeGaT Center for Human Genetics Tuebingen
Classification: Likely benign. Last evaluated: 2023-01-01. Review status: criteria provided, single submitter. Criteria: CeGaT Center For Human Genetics Tuebingen Variant Classification Criteria Version 2. Collection method: clinical testing. Allele origin: germline. Affected: yes. Observed: 1 variant allele.
Comment: FAT2: PM2:Supporting, BP4, BP7

NM_001447.3(FAT2):c.11329A>C (p.Arg3777=)

Genes: FAT2 (FAT atypical cadherin 2; minus strand), SLC36A1 (solute carrier family 36 member 1; plus strand). Cytogenetic location: 5q33.1.
Variant type: single nucleotide variant.
Coding change: c.11329A>C on transcript NM_001447.3 (MANE Select); coding-DNA position 11329, A replaced by C.
Protein change: p.Arg3777=; no amino-acid change (arginine 3777 retained).
Molecular consequence: synonymous variant.
Genome position (GRCh38, 1-based): chr5:151,517,754, T>G on the plus strand (A>C on the coding strand, the complement: FAT2 is on the minus strand). VCF-style: chr5-151517754-T-G. GRCh37 (hg19) VCF-style: chr5-150897315-T-G.
Identifiers: ClinVar variation 2498990 (VCV002498990.28), dbSNP rs2480937390, ClinGen allele CA447210039.